The following is an entry in ClinVar:

ClinVar aggregate classification (germline): Uncertain significance (1 of 4 stars; one submission).

Submission:

Labcorp Genetics (formerly Invitae), Labcorp
Classification: Uncertain significance. Last evaluated: 2022-06-15. Review status: criteria provided, single submitter. Criteria: Invitae Variant Classification Sherloc (09022015). Collection method: clinical testing. Allele origin: germline.
Comment: This variant has not been reported in the literature in individuals affected with CTNNA1-related conditions. Algorithms developed to predict the effect of missense changes on protein structure and function are either unavailable or do not agree on the potential impact of this missense change (SIFT: "Deleterious"; PolyPhen-2: "Benign"; Align-GVGD: "Class C0"). In summary, the available evidence is currently insufficient to determine the role of this variant in disease. Therefore, it has been classified as a Variant of Uncertain Significance. This variant is not present in population databases (gnomAD no frequency). This sequence change replaces aspartic acid, which is acidic and polar, with asparagine, which is neutral and polar, at codon 114 of the CTNNA1 protein (p.Asp114Asn).

NM_001903.5(CTNNA1):c.340G>A (p.Asp114Asn)

Gene: CTNNA1 (catenin alpha 1; plus strand). Cytogenetic location: 5q31.2.
Variant type: single nucleotide variant.
Coding change: c.340G>A on transcript NM_001903.5 (MANE Select); coding-DNA position 340, G replaced by A.
Protein change: p.Asp114Asn; replaces aspartic acid 114 with asparagine.
Molecular consequence: missense variant. On other transcripts: intron variant (1).
Genome position (GRCh38, 1-based): chr5:138,810,076, G>A. VCF-style: chr5-138810076-G-A. GRCh37 (hg19) VCF-style: chr5-138145765-G-A.
Other names: c.340G>A, p.Asp114Asn (NM_001323986.2, NM_001290307.3, NM_001323982.2 and 3 more transcripts); c.-5-25G>A (NM_001290310.3); c.31G>A, p.Asp11Asn (NM_001290309.3); short protein forms D11N, D114N.
Identifiers: ClinVar variation 2006861 (VCV002006861.4), dbSNP rs2532329764, ClinGen allele CA361122935.